The following is an entry in ClinVar:

NM_000059.4(BRCA2):c.6892G>T (p.Glu2298Ter)

Gene: BRCA2 (BRCA2 DNA repair associated; plus strand). Cytogenetic location: 13q13.1.
Variant type: single nucleotide variant.
Coding change: c.6892G>T on transcript NM_000059.4 (MANE Select); coding-DNA position 6892, G replaced by T.
Protein change: p.Glu2298Ter; replaces glutamic acid 2298 with a stop codon.
Molecular consequence: nonsense. On other transcripts: non-coding transcript variant (1), intron variant (1).
Genome position (GRCh38, 1-based): chr13:32,344,608, G>T. VCF-style: chr13-32344608-G-T. GRCh37 (hg19) VCF-style: chr13-32918745-G-T.
Other names: c.6892G>T, p.Glu2298Ter (NM_001406720.1, NM_001432077.1); c.1960G>T, p.Glu654Ter (NM_001406721.1); c.475G>T, p.Glu159Ter (NM_001406722.1); c.6842-2219G>T (NM_001406719.1); short protein forms E159*, E654*, E2298*.
Identifiers: ClinVar variation 4729705 (VCV004729705.2).

ClinVar aggregate classification (germline): Pathogenic. Review status: criteria provided, multiple submitters, no conflicts (2 of 4 stars). 2 submissions from 2 submitters: Pathogenic (2). Last evaluated 2026-01-23.

Conditions:
Breast-ovarian cancer, familial, susceptibility to, 2 (BROVCA2). Also called: BRCA2 Hereditary Breast and Ovarian Cancer. Identifiers: Orphanet 145, MedGen C2675520, MONDO:0012933, OMIM 612555. Disease mechanism: loss of function.
Hereditary breast ovarian cancer syndrome. Also called: Hereditary breast and ovarian cancer syndrome; Hereditary breast and ovarian cancer; Hereditary breast and ovarian cancer syndrome (HBOC); Breast and ovarian cancer; Hereditary breast and/or ovarian cancer syndrome; BRCA1- and BRCA2-Associated Hereditary Breast and Ovarian Cancer. Identifiers: Orphanet 145, MedGen C0677776, MeSH D061325, MONDO:0003582. Disease mechanism: loss of function.

Submissions (2):

Myriad Genetics, Inc.
Classification: Pathogenic for Breast-ovarian cancer, familial, susceptibility to, 2. Last evaluated: 2026-01-23. Review status: criteria provided, single submitter. Criteria: Myriad Autosomal Dominant, Autosomal Recessive and X-Linked Classification Criteria (2023). Collection method: clinical testing. Allele origin: unknown.
Comment: This variant is considered pathogenic. This variant creates a termination codon and is predicted to result in premature protein truncation.

Labcorp Genetics (formerly Invitae), Labcorp
Classification: Pathogenic for Hereditary breast ovarian cancer syndrome. Last evaluated: 2026-01-18. Review status: criteria provided, single submitter. Criteria: Invitae Variant Classification Sherloc (09022015). Collection method: clinical testing. Allele origin: germline.
Comment: This sequence change creates a premature translational stop signal (p.Glu2298*) in the BRCA2 gene. It is expected to result in an absent or disrupted protein product. Loss-of-function variants in BRCA2 are known to be pathogenic (PMID: 20104584). This variant is not present in population databases (gnomAD no frequency). This variant has not been reported in the literature in individuals affected with BRCA2-related conditions. Algorithms developed to predict the effect of sequence changes on RNA splicing suggest that this variant may disrupt the consensus splice site. For these reasons, this variant has been classified as Pathogenic.

Literature cited by the submitters: PubMed 20104584 (cited by Labcorp Genetics (formerly Invitae), Labcorp).